The following is an entry in ClinVar:

ClinVar aggregate classification (germline): Uncertain significance. Review status: criteria provided, multiple submitters, no conflicts (2 of 4 stars). 2 submissions from 2 submitters: Uncertain significance (2). Last evaluated 2025-11-25.

Allele frequency attached by ClinVar (database versions not stated): gnomAD 0.00001; TOPMed 0.00001; gnomAD exomes 0.00002.
gnomAD v4.1: 25 of 1,614,008 alleles (0.0015%); highest among the groups gnomAD compares: Non-Finnish European, 0.002%; no homozygotes.

Submissions (2):

Labcorp Genetics (formerly Invitae), Labcorp
Classification: Uncertain significance. Last evaluated: 2025-11-25. Review status: criteria provided, single submitter. Criteria: Invitae Variant Classification Sherloc (09022015). Collection method: clinical testing. Allele origin: germline.
Comment: This sequence change replaces methionine, which is neutral and non-polar, with isoleucine, which is neutral and non-polar, at codon 606 of the RINT1 protein (p.Met606Ile). This variant is present in population databases (rs753304903, gnomAD 0.0009%). This variant has not been reported in the literature in individuals affected with RINT1-related conditions. ClinVar contains an entry for this variant (Variation ID: 1780706). An algorithm developed to predict the effect of missense changes on protein structure and function (PolyPhen-2) suggests that this variant is likely to be disruptive. In summary, the available evidence is currently insufficient to determine the role of this variant in disease. Therefore, it has been classified as a Variant of Uncertain Significance.

Ambry Genetics
Classification: Uncertain significance. Last evaluated: 2025-05-27. Review status: criteria provided, single submitter. Criteria: Ambry Variant Classification Scheme 2023. Collection method: clinical testing. Allele origin: germline.
Comment: The p.M606I variant (also known as c.1818G>A), located in coding exon 12 of the RINT1 gene, results from a G to A substitution at nucleotide position 1818. The methionine at codon 606 is replaced by isoleucine, an amino acid with highly similar properties. This amino acid position is highly conserved in available vertebrate species. In addition, the in silico prediction for this alteration is inconclusive. Since supporting evidence is limited at this time, the clinical significance of this alteration remains unclear.

NM_021930.6(RINT1):c.1818G>A (p.Met606Ile)

Gene: RINT1 (RAD50 interactor 1; plus strand). Cytogenetic location: 7q22.3.
Variant type: single nucleotide variant.
Coding change: c.1818G>A on transcript NM_021930.6 (MANE Select); coding-DNA position 1818, G replaced by A.
Protein change: p.Met606Ile; replaces methionine 606 with isoleucine.
Molecular consequence: missense variant. On other transcripts: non-coding transcript variant (1).
Genome position (GRCh38, 1-based): chr7:105,563,879, G>A. VCF-style: chr7-105563879-G-A. GRCh37 (hg19) VCF-style: chr7-105204326-G-A.
Other names: c.1584G>A, p.Met528Ile (NM_001346599.2); c.795G>A, p.Met265Ile (NM_001346600.2, NM_001346603.2); c.894G>A, p.Met298Ile (NM_001346601.2); short protein forms M265I, M606I, M298I, M528I.
Identifiers: ClinVar variation 1780706 (VCV001780706.5), dbSNP rs753304903, ClinGen allele CA164066651.